The following is an entry in ClinVar:

ClinVar aggregate classification (germline): Uncertain significance (1 of 4 stars; one submission).

Submission:

Labcorp Genetics (formerly Invitae), Labcorp
Classification: Uncertain significance. Last evaluated: 2024-02-27. Review status: criteria provided, single submitter. Criteria: Invitae Variant Classification Sherloc (09022015). Collection method: clinical testing. Allele origin: germline.
Comment: This sequence change replaces asparagine, which is neutral and polar, with lysine, which is basic and polar, at codon 342 of the MCM4 protein (p.Asn342Lys). This variant is not present in population databases (gnomAD no frequency). This variant has not been reported in the literature in individuals affected with MCM4-related conditions. Advanced modeling of protein sequence and biophysical properties (such as structural, functional, and spatial information, amino acid conservation, physicochemical variation, residue mobility, and thermodynamic stability) performed at Invitae indicates that this missense variant is expected to disrupt MCM4 protein function with a positive predictive value of 80%. In summary, the available evidence is currently insufficient to determine the role of this variant in disease. Therefore, it has been classified as a Variant of Uncertain Significance.

NM_182746.3(MCM4):c.1026C>G (p.Asn342Lys)

Gene: MCM4 (minichromosome maintenance complex component 4; plus strand). Cytogenetic location: 8q11.21.
Variant type: single nucleotide variant.
Coding change: c.1026C>G on transcript NM_182746.3 (MANE Select); coding-DNA position 1026, C replaced by G.
Protein change: p.Asn342Lys; replaces asparagine 342 with lysine.
Molecular consequence: missense variant.
Genome position (GRCh38, 1-based): chr8:47,966,380, C>G. VCF-style: chr8-47966380-C-G. GRCh37 (hg19) VCF-style: chr8-48878940-C-G.
Other names: c.1026C>G, p.Asn342Lys (NM_005914.4); short protein forms N342K.
Identifiers: ClinVar variation 3668645 (VCV003668645.2).